The following is an entry in ClinVar:

ClinVar aggregate classification (germline): Uncertain significance (1 of 4 stars; one submission).

Conditions:
Hereditary pancreatitis (PCTT). Also called: Hereditary chronic pancreatitis; PRSS1-Related Hereditary Pancreatitis. Identifiers: Orphanet 676, MedGen C0238339, MONDO:0008185, OMIM 167800.

Submission:

Ambry Genetics
Classification: Uncertain significance for Hereditary pancreatitis. Last evaluated: 2026-08-07. Review status: criteria provided, single submitter. Criteria: Ambry Variant Classification Scheme 2023. Collection method: clinical testing. Allele origin: germline.
Comment: The p.Y233* variant (also known as c.699C>A), located in coding exon 5 of the PRSS1 gene, results from a C to A substitution at nucleotide position 699. This changes the amino acid from a tyrosine to a stop codon within coding exon 5. This variant occurs at the 3' terminus of the gene and is not expected to trigger nonsense-mediated mRNA decay. Based on the available evidence, the clinical significance of this variant remains unclear.

NM_002769.5(PRSS1):c.699C>A (p.Tyr233Ter)

Genes: PRSS1 (serine protease 1; plus strand), TRB (T cell receptor beta locus; plus strand). Cytogenetic location: 7q34.
Variant type: single nucleotide variant.
Coding change: c.699C>A on transcript NM_002769.5 (MANE Select); coding-DNA position 699, C replaced by A.
Protein change: p.Tyr233Ter; replaces tyrosine 233 with a stop codon.
Molecular consequence: nonsense. On other transcripts: non-coding transcript variant (5).
Genome position (GRCh38, 1-based): chr7:142,752,975, C>A. VCF-style: chr7-142752975-C-A. GRCh37 (hg19) VCF-style: chr7-142460826-C-A.
Other names: short protein forms Y233*.
Identifiers: ClinVar variation 3222825 (VCV003222825.2), dbSNP rs2116990190, ClinGen allele CA369610943.
Genomic context (GRCh38, chr7:142,752,975, plus strand): 5'-TGTCTCCTGGGGTGATGGCTGTGCCCAGAAGAACAAGCCTGGAGTCTACACCAAGGTCTA[C>A]AACTATGTGAAATGGATTAAGAACACCATAGCTGCCAATAGCTAAAGCCCCCAGTATCTC-3'